The following is an entry in ClinVar:

NM_001378778.1(MPDZ):c.4834A>G (p.Ile1612Val)

Gene: MPDZ (multiple PDZ domain crumbs cell polarity complex component; minus strand). Cytogenetic location: 9p23.
Variant type: single nucleotide variant.
Coding change: c.4834A>G on transcript NM_001378778.1 (MANE Select); coding-DNA position 4834, A replaced by G.
Protein change: p.Ile1612Val; replaces isoleucine 1612 with valine.
Molecular consequence: missense variant.
Genome position (GRCh38, 1-based): chr9:13,123,272, T>C on the plus strand (A>G on the coding strand, the complement: MPDZ is on the minus strand). VCF-style: chr9-13123272-T-C. GRCh37 (hg19) VCF-style: chr9-13123271-T-C.
Other names: c.4834A>G (NM_003829.3); c.4735A>G, p.Ile1579Val (NM_001261406.2, NM_001261407.2, NM_001375416.1 and 3 more transcripts); c.4834A>G, p.Ile1612Val (NM_001330637.2, NM_003829.5); c.4933A>G, p.Ile1645Val (NM_001375413.1); c.4624A>G, p.Ile1542Val (NM_001375420.1, NM_001375421.1, NM_001375422.1 and 4 more transcripts); c.4426A>G, p.Ile1476Val (NM_001375427.1); short protein forms I1476V, I1645V, I1612V, I1542V, I1579V.
Identifiers: ClinVar variation 1500426 (VCV001500426.8), dbSNP rs764164095, ClinGen allele CA4986549.

ClinVar aggregate classification (germline): Uncertain significance. Review status: criteria provided, multiple submitters, no conflicts (2 of 4 stars). 2 submissions from 2 submitters: Uncertain significance (2). Last evaluated 2026-02-02.

Conditions:
Inborn genetic diseases. Identifiers: MedGen C0950123, MeSH D030342.

Allele frequency attached by ClinVar (database versions not stated): gnomAD 0.00001; gnomAD exomes 0.00001 and 0.00002; TOPMed 0.00001; ExAC 0.00002.
gnomAD v4.1: 25 of 1,612,052 alleles (0.0016%); highest among the groups gnomAD compares: South Asian, 0.0044%; 1 homozygote.

Submissions (2):

Labcorp Genetics (formerly Invitae), Labcorp
Classification: Uncertain significance. Last evaluated: 2026-02-02. Review status: criteria provided, single submitter. Criteria: Invitae Variant Classification Sherloc (09022015). Collection method: clinical testing. Allele origin: germline.
Comment: This sequence change replaces isoleucine, which is neutral and non-polar, with valine, which is neutral and non-polar, at codon 1612 of the MPDZ protein (p.Ile1612Val). This variant is present in population databases (rs764164095, gnomAD 0.003%). This variant has not been reported in the literature in individuals affected with MPDZ-related conditions. ClinVar contains an entry for this variant (Variation ID: 1500426). An algorithm developed to predict the effect of missense changes on protein structure and function outputs the following: PolyPhen-2: "Benign". The valine amino acid residue is found in multiple mammalian species, which suggests that this missense change does not adversely affect protein function. In summary, the available evidence is currently insufficient to determine the role of this variant in disease. Therefore, it has been classified as a Variant of Uncertain Significance.

Ambry Genetics
Classification: Uncertain significance for Inborn genetic diseases. Last evaluated: 2025-08-27. Review status: criteria provided, single submitter. Criteria: Ambry Variant Classification Scheme 2023. Collection method: clinical testing. Allele origin: germline.